The following is an entry in ClinVar:

NM_015021.3(ZNF292):c.5367A>G (p.Ile1789Met)

Gene: ZNF292 (zinc finger protein 292; plus strand). Cytogenetic location: 6q14.3.
Variant type: single nucleotide variant.
Coding change: c.5367A>G on transcript NM_015021.3 (MANE Select); coding-DNA position 5367, A replaced by G.
Protein change: p.Ile1789Met; replaces isoleucine 1789 with methionine.
Molecular consequence: missense variant.
Genome position (GRCh38, 1-based): chr6:87,258,996, A>G. VCF-style: chr6-87258996-A-G. GRCh37 (hg19) VCF-style: chr6-87968714-A-G.
Other names: c.4947A>G, p.Ile1649Met (NM_001351444.2); short protein forms I1649M, I1789M.
Identifiers: ClinVar variation 2503173 (VCV002503173.1), dbSNP rs2482341179, ClinGen allele CA364932250.

ClinVar aggregate classification (germline): Uncertain significance (1 of 4 stars; one submission).

Submission:

GeneDx
Classification: Uncertain significance. Last evaluated: 2022-11-23. Review status: criteria provided, single submitter. Criteria: GeneDx Variant Classification Process June 2021. Collection method: clinical testing. Allele origin: germline. Affected: yes.
Comment: Not observed at significant frequency in large population cohorts (gnomAD); In silico analysis supports that this missense variant does not alter protein structure/function; Has not been previously published as pathogenic or benign to our knowledge